The following is an entry in ClinVar:

ClinVar aggregate classification (germline): Likely benign. Review status: criteria provided, multiple submitters, no conflicts (2 of 4 stars). 6 submissions from 6 submitters: Likely benign (6). Last evaluated 2026-01-02.

Conditions:
Familial thoracic aortic aneurysm and aortic dissection (TAAD). Also called: Thoracic aortic aneurysms and dissections. Identifiers: Orphanet 91387, MedGen C4707243, MONDO:0019625.
Aortic aneurysm, familial thoracic 4 (AAT4). Also called: AORTIC ANEURYSM/AORTIC DISSECTION AND PATENT DUCTUS ARTERIOSUS. Identifiers: MedGen C1851504, MONDO:0007568, OMIM 132900.

Allele frequency attached by ClinVar (database versions not stated): gnomAD exomes below 0.00001.
gnomAD v4.1: 5 of 1,613,922 alleles (0.00031%); highest among the groups gnomAD compares: Non-Finnish European, 0.00042%; no homozygotes.

Submissions (6):

Labcorp Genetics (formerly Invitae), Labcorp
Classification: Likely benign for Aortic aneurysm, familial thoracic 4. Last evaluated: 2026-01-02. Review status: criteria provided, single submitter. Criteria: Invitae Variant Classification Sherloc (09022015). Collection method: clinical testing. Allele origin: germline.

Women's Health and Genetics/Laboratory Corporation of America, LabCorp
Classification: Likely benign. Last evaluated: 2024-07-21. Review status: criteria provided, single submitter. Criteria: LabCorp Variant Classification Summary - May 2015. Collection method: clinical testing. Allele origin: germline.

Ambry Genetics
Classification: Likely benign for Familial thoracic aortic aneurysm and aortic dissection. Last evaluated: 2024-03-15. Review status: criteria provided, single submitter. Criteria: Ambry Variant Classification Scheme 2023. Collection method: clinical testing. Allele origin: germline.

All of Us Research Program, National Institutes of Health
Classification: Likely benign for Familial thoracic aortic aneurysm and aortic dissection. Last evaluated: 2024-01-11. Review status: criteria provided, single submitter. Criteria: ACMG Guidelines, 2015. Collection method: clinical testing. Allele origin: germline. Inheritance: Autosomal dominant inheritance. Observed: 3 variant alleles, 3 heterozygotes.
Comment: This study involves interpretation of variants in research participants for the purpose of population health screening. Participant phenotype was not available at the time of variant classification. Additional details can be found in publication PMID: 35346344, PMCID: PMC8962531

Color Diagnostics, LLC DBA Color Health
Classification: Likely benign for Familial thoracic aortic aneurysm and aortic dissection. Last evaluated: 2019-03-07. Review status: criteria provided, single submitter. Criteria: ACMG Guidelines, 2015. Collection method: clinical testing. Allele origin: germline.

Breakthrough Genomics
Classification: Likely benign. Review status: criteria provided, single submitter. Criteria: ACMG Guidelines, 2015. Collection method: not provided. Allele origin: germline. Inheritance: Autosomal recessive inheritance. Affected: yes.

NM_002474.3(MYH11):c.5670G>A (p.Glu1890=)

Genes: MYH11 (myosin heavy chain 11; minus strand), NDE1 (nudE neurodevelopment protein 1; plus strand). Cytogenetic location: 16p13.11.
Variant type: single nucleotide variant.
Coding change: c.5670G>A on transcript NM_002474.3 (MANE Select); coding-DNA position 5670, G replaced by A.
Protein change: p.Glu1890=; no amino-acid change (glutamic acid 1890 retained).
Molecular consequence: synonymous variant. On other transcripts: intron variant (2).
Genome position (GRCh38, 1-based): chr16:15,715,025, C>T on the plus strand (G>A on the coding strand, the complement: MYH11 is on the minus strand). VCF-style: chr16-15715025-C-T. GRCh37 (hg19) VCF-style: chr16-15808882-C-T.
Other names: c.5691G>A, p.Glu1897= (NM_001040113.2, NM_001040114.2); c.5670G>A, p.Glu1890= (NM_022844.3); c.948-9166C>T (NM_001143979.2, NM_017668.3).
Identifiers: ClinVar variation 919279 (VCV000919279.14), dbSNP rs1246060293, ClinGen allele CA493746454.